The following is an entry in ClinVar:

ClinVar aggregate classification (germline): Likely benign. Review status: criteria provided, multiple submitters, no conflicts (2 of 4 stars). 3 submissions from 3 submitters: Likely benign (3). Last evaluated 2025-05-05.

Conditions:
Hereditary cancer-predisposing syndrome. Also called: Tumor predisposition; Neoplastic Syndromes, Hereditary; Hereditary Cancer Syndrome; Hereditary neoplastic syndrome. Identifiers: Orphanet 140162, MedGen C0027672, MeSH D009386, MONDO:0015356.
Neurofibromatosis, type 2 (SWNV). Also called: NF2-Related Schwannomatosis; SCHWANNOMATOSIS, VESTIBULAR; BILATERAL ACOUSTIC NEUROFIBROMATOSIS. Identifiers: Orphanet 637, MedGen C0027832, MONDO:0007039, OMIM 101000. Disease mechanism: loss of function.

Submissions (3):

Labcorp Genetics (formerly Invitae), Labcorp
Classification: Likely benign for Neurofibromatosis, type 2. Last evaluated: 2025-05-05. Review status: criteria provided, single submitter. Criteria: Invitae Variant Classification Sherloc (09022015). Collection method: clinical testing. Allele origin: germline.

All of Us Research Program, National Institutes of Health
Classification: Likely benign for Neurofibromatosis, type 2. Last evaluated: 2023-07-22. Review status: criteria provided, single submitter. Criteria: ACMG Guidelines, 2015. Collection method: clinical testing. Allele origin: germline. Inheritance: Autosomal dominant inheritance. Observed: 2 variant alleles, 2 heterozygotes.
Comment: This study involves interpretation of variants in research participants for the purpose of population health screening. Participant phenotype was not available at the time of variant classification. Additional details can be found in publication PMID: 35346344, PMCID: PMC8962531

Ambry Genetics
Classification: Likely benign for Hereditary cancer-predisposing syndrome. Last evaluated: 2020-08-18. Review status: criteria provided, single submitter. Criteria: Ambry Variant Classification Scheme 2023. Collection method: clinical testing. Allele origin: germline.

NM_000268.4(NF2):c.1546C>A (p.Arg516=)

Gene: NF2 (NF2, moesin-ezrin-radixin like (MERLIN) tumor suppressor; plus strand). Cytogenetic location: 22q12.2.
Variant type: single nucleotide variant.
Coding change: c.1546C>A on transcript NM_000268.4 (MANE Select); coding-DNA position 1546, C replaced by A.
Protein change: p.Arg516=; no amino-acid change (arginine 516 retained).
Molecular consequence: synonymous variant. On other transcripts: non-coding transcript variant (1), intron variant (1).
Genome position (GRCh38, 1-based): chr22:29,678,295, C>A. VCF-style: chr22-29678295-C-A. GRCh37 (hg19) VCF-style: chr22-30074284-C-A.
Other names: c.1432C>A, p.Arg478= (NM_001407053.1, NM_001407056.1); c.1423C>A, p.Arg475= (NM_001407054.1, NM_001407058.1, NM_181829.3); c.1420C>A, p.Arg474= (NM_001407055.1, NM_181828.3); c.1411C>A, p.Arg471= (NM_001407057.1, NM_001407059.1); c.1546C>A, p.Arg516= (NM_001407060.1, NM_001407066.1, NM_016418.5 and 2 more transcripts); c.1288C>A, p.Arg430= (NM_001407062.1); c.1297C>A, p.Arg433= (NM_001407063.1, NM_001407064.1, NM_181830.3 and 1 more transcripts); c.1012C>A, p.Arg338= (NM_001407065.1); and 2 more.
Identifiers: ClinVar variation 1774934 (VCV001774934.8), dbSNP rs762588182, ClinGen allele CA514189017.
Genomic context (GRCh38, chr22:29,678,295, plus strand): 5'-CCAAGCTTCAACCTCATTGGTGACAGCCTGTCTTTCGACTTCAAAGATACTGACATGAAG[C>A]GGCTTTCCATGGAGATAGAGAAAGAAAAGTATGTAGCCCCCTGTGCCCTGCTGTGGGCAG-3'
Protein context (NP_000259.1, residues 506-526): SFDFKDTDMK[Arg516=]LSMEIEKEKV